The following is an entry in ClinVar:

ClinVar aggregate classification (germline): Uncertain significance. Review status: criteria provided, multiple submitters, no conflicts (2 of 4 stars). 4 submissions from 4 submitters: Uncertain significance (4). Last evaluated 2025-01-21.

Conditions:
Glycogen storage disease, type VII (GSD7). Also called: GSD VII; MUSCLE PHOSPHOFRUCTOKINASE DEFICIENCY; PFKM DEFICIENCY; TARUI DISEASE. Identifiers: Orphanet 371, MedGen C0017926, MONDO:0009295, OMIM 232800.
Inborn genetic diseases. Identifiers: MedGen C0950123, MeSH D030342.

Allele frequency attached by ClinVar (database versions not stated): gnomAD exomes 0.00001 and below 0.00001; gnomAD 0.00002; TOPMed 0.00002.
gnomAD v4.1: 7 of 1,613,828 alleles (0.00043%); highest among the groups gnomAD compares: Non-Finnish European, 0.00059%; no homozygotes.

Submissions (4):

Ambry Genetics
Classification: Uncertain significance for Inborn genetic diseases. Last evaluated: 2025-01-21. Review status: criteria provided, single submitter. Criteria: Ambry Variant Classification Scheme 2023. Collection method: clinical testing. Allele origin: germline.

CeGaT Center for Human Genetics Tuebingen
Classification: Uncertain significance. Last evaluated: 2024-07-01. Review status: criteria provided, single submitter. Criteria: CeGaT Center For Human Genetics Tuebingen Variant Classification Criteria Version 2. Collection method: clinical testing. Allele origin: germline. Affected: yes. Observed: 1 variant allele.
Comment: PFKM: PM2

ARUP Laboratories, Molecular Genetics and Genomics, ARUP Laboratories
Classification: Uncertain significance for Glycogen storage disease, type VII. Last evaluated: 2024-04-30. Review status: criteria provided, single submitter. Criteria: ARUP Molecular Germline Variant Investigation Process 2024. Collection method: clinical testing. Allele origin: germline.
Comment: The PRKM c.1946A>G; p.Lys649Arg variant (rs199528011), to our knowledge, is not reported in the medical literature but is reported in ClinVar (Variation ID: 308956). This variant is only observed on two alleles in the Genome Aggregation Database (v2.1.1), indicating it is not a common polymorphism. Computational analyses are uncertain whether this variant is neutral or deleterious (REVEL: 0.407). Due to limited information, the clinical significance of this variant is uncertain at this time.

Illumina Laboratory Services, Illumina
Classification: Uncertain significance for Glycogen storage disease, type VII. Last evaluated: 2018-01-13. Review status: criteria provided, single submitter. Criteria: ICSL Variant Classification Criteria 13 December 2019. Collection method: clinical testing. Allele origin: germline.

NM_000289.6(PFKM):c.1946A>G (p.Lys649Arg)

Gene: PFKM (phosphofructokinase, muscle; plus strand). Cytogenetic location: 12q13.11.
Variant type: single nucleotide variant.
Coding change: c.1946A>G on transcript NM_000289.6 (MANE Select); coding-DNA position 1946, A replaced by G.
Protein change: p.Lys649Arg; replaces lysine 649 with arginine.
Molecular consequence: missense variant. On other transcripts: non-coding transcript variant (6).
Genome position (GRCh38, 1-based): chr12:48,144,111, A>G. VCF-style: chr12-48144111-A-G. GRCh37 (hg19) VCF-style: chr12-48537894-A-G.
Other names: c.2159A>G, p.Lys720Arg (NM_001166686.2, NM_001354737.1, NM_001354738.1 and 1 more transcripts); c.1946A>G, p.Lys649Arg (NM_001166687.2, NM_001166688.2, NM_001354742.2 and 2 more transcripts); c.2255A>G, p.Lys752Arg (NM_001354735.1, NM_001354736.1); c.2090A>G, p.Lys697Arg (NM_001354740.1); c.1970A>G, p.Lys657Arg (NM_001354741.2); c.1859A>G, p.Lys620Arg (NM_001354745.2); c.1820A>G, p.Lys607Arg (NM_001354746.2); c.1796A>G, p.Lys599Arg (NM_001354747.2, NM_001354748.2); and 1 more; short protein forms K649R, K720R, K607R, K618R, K697R, K657R, K599R, K620R.
Identifiers: ClinVar variation 308956 (VCV000308956.25), dbSNP rs199528011, ClinGen allele CA10632885.